The following is an entry in ClinVar:

NM_004329.3(BMPR1A):c.68-19A>C

Gene: BMPR1A (bone morphogenetic protein receptor type 1A; plus strand). Cytogenetic location: 10q23.2.
Variant type: single nucleotide variant.
Coding change: c.68-19A>C on transcript NM_004329.3 (MANE Select); 19 bases into the intron before coding-DNA position 68, A replaced by C.
Molecular consequence: intron variant.
Genome position (GRCh38, 1-based): chr10:86,890,043, A>C. VCF-style: chr10-86890043-A-C. GRCh37 (hg19) VCF-style: chr10-88649800-A-C.
Other names: c.68-19A>C (NM_001406562.1, NM_001406568.1, NM_001406567.1 and 23 more transcripts); c.-17-19A>C (NM_001406584.1, NM_001406587.1, NM_001406585.1); c.-12-24A>C (NM_001406588.1, NM_001406586.1).
Identifiers: ClinVar variation 3378894 (VCV003378894.3).

ClinVar aggregate classification (germline): Likely benign. Review status: criteria provided, multiple submitters, no conflicts (2 of 4 stars). 2 submissions from 2 submitters: Likely benign (2). Last evaluated 2024-07-31.

Conditions:
Juvenile polyposis syndrome (JPS). Identifiers: Orphanet 2929, MedGen C0345893, MONDO:0017380, OMIM 174900.

gnomAD v4.1: 1 of 1,611,946 alleles (0.000062%); highest among the groups gnomAD compares: East Asian, 0.0022%; no homozygotes.

Submissions (2):

Myriad Genetics, Inc.
Classification: Likely benign for Juvenile polyposis syndrome. Last evaluated: 2024-07-31. Review status: criteria provided, single submitter. Criteria: Myriad Autosomal Dominant, Autosomal Recessive and X-Linked Classification Criteria (2023). Collection method: clinical testing. Allele origin: unknown.
Comment: This variant is considered likely benign. This variant is intronic and is not expected to impact mRNA splicing.

Labcorp Genetics (formerly Invitae), Labcorp
Classification: Likely benign for Juvenile polyposis syndrome. Last evaluated: 2024-04-30. Review status: criteria provided, single submitter. Criteria: Invitae Variant Classification Sherloc (09022015). Collection method: clinical testing. Allele origin: germline.